The following is an entry in ClinVar:

NM_001012720.2(RGR):c.803G>A (p.Gly268Asp)

Gene: RGR (retinal G protein coupled receptor; plus strand). Cytogenetic location: 10q23.1.
Variant type: single nucleotide variant.
Coding change: c.803G>A on transcript NM_001012720.2 (MANE Select); coding-DNA position 803, G replaced by A.
Protein change: p.Gly268Asp; replaces glycine 268 with aspartic acid.
Molecular consequence: missense variant.
Genome position (GRCh38, 1-based): chr10:84,258,566, G>A. VCF-style: chr10-84258566-G-A. GRCh37 (hg19) VCF-style: chr10-86018322-G-A.
Other names: c.689G>A, p.Gly230Asp (NM_001012722.2); c.815G>A, p.Gly272Asp (NM_002921.4); short protein forms G230D, G268D, G272D.
Identifiers: ClinVar variation 1377614 (VCV001377614.6), dbSNP rs763221617, ClinGen allele CA5581593.
Genomic context (GRCh38, chr10:84,258,566, plus strand): 5'-AGGTGCCCGCCCTCATTGCCAAAATGGTGCCCACGATCAATGCCATCAACTATGCCCTGG[G>A]CAATGAGATGGTCTGCAGGGGAATCTGGCAGTGCCTCTCACCGCAGAAGAGGGAGAAGGA-3'
Protein context (NP_001012738.1, residues 258-278): PTINAINYAL[Gly268Asp]NEMVCRGIWQ

ClinVar aggregate classification (germline): Uncertain significance (1 of 4 stars; one submission).

Allele frequency attached by ClinVar (database versions not stated): gnomAD exomes below 0.00001 and 0.00001; gnomAD 0.00001; TOPMed 0.00001; ExAC 0.00002.
gnomAD v4.1: 8 of 1,614,096 alleles (0.0005%); highest among the groups gnomAD compares: Admixed American, 0.0067%; no homozygotes.

Submission:

Labcorp Genetics (formerly Invitae), Labcorp
Classification: Uncertain significance. Last evaluated: 2024-04-30. Review status: criteria provided, single submitter. Criteria: Invitae Variant Classification Sherloc (09022015). Collection method: clinical testing. Allele origin: germline.
Comment: This sequence change replaces glycine, which is neutral and non-polar, with aspartic acid, which is acidic and polar, at codon 268 of the RGR protein (p.Gly268Asp). This variant is present in population databases (rs763221617, gnomAD 0.006%). This variant has not been reported in the literature in individuals affected with RGR-related conditions. ClinVar contains an entry for this variant (Variation ID: 1377614). Experimental studies and prediction algorithms are not available or were not evaluated, and the functional significance of this variant is currently unknown. In summary, the available evidence is currently insufficient to determine the role of this variant in disease. Therefore, it has been classified as a Variant of Uncertain Significance.